The following is an entry in ClinVar:

ClinVar aggregate classification (germline): Uncertain significance (1 of 4 stars; one submission).

gnomAD v4.1: 2 of 1,613,036 alleles (0.00012%); highest among the groups gnomAD compares: Non-Finnish European, 0.00017%; no homozygotes.

Submission:

GeneDx
Classification: Uncertain significance. Last evaluated: 2024-05-31. Review status: criteria provided, single submitter. Criteria: GeneDx Variant Classification Process June 2021. Collection method: clinical testing. Allele origin: germline. Affected: yes.
Comment: Not observed at significant frequency in large population cohorts (gnomAD); In silico analysis supports that this missense variant has a deleterious effect on protein structure/function; Has not been previously published as pathogenic or benign to our knowledge; In silico analysis suggests this variant may impact gene splicing. In the absence of RNA/functional studies, the actual effect of this sequence change is unknown.

NM_030912.3(TRIM8):c.1336T>G (p.Tyr446Asp)

Gene: TRIM8 (tripartite motif containing 8; plus strand). Cytogenetic location: 10q24.32.
Variant type: single nucleotide variant.
Coding change: c.1336T>G on transcript NM_030912.3 (MANE Select); coding-DNA position 1336, T replaced by G.
Protein change: p.Tyr446Asp; replaces tyrosine 446 with aspartic acid.
Molecular consequence: missense variant. On other transcripts: non-coding transcript variant (1).
Genome position (GRCh38, 1-based): chr10:102,657,034, T>G. VCF-style: chr10-102657034-T-G. GRCh37 (hg19) VCF-style: chr10-104416791-T-G.
Other names: c.1240T>G, p.Tyr414Asp (NM_001345950.1); short protein forms Y414D, Y446D.
Identifiers: ClinVar variation 3383896 (VCV003383896.1).